The following is an entry in ClinVar:

NM_012193.4(FZD4):c.1443T>G (p.Ile481Met)

Genes: FZD4 (frizzled class receptor 4; minus strand), PRSS23 (serine protease 23; plus strand). Cytogenetic location: 11q14.2.
Variant type: single nucleotide variant.
Coding change: c.1443T>G on transcript NM_012193.4 (MANE Select); coding-DNA position 1443, T replaced by G.
Protein change: p.Ile481Met; replaces isoleucine 481 with methionine.
Molecular consequence: missense variant. On other transcripts: non-coding transcript variant (2).
Genome position (GRCh38, 1-based): chr11:86,951,313, A>C on the plus strand (T>G on the coding strand, the complement: FZD4 is on the minus strand). VCF-style: chr11-86951313-A-C. GRCh37 (hg19) VCF-style: chr11-86662355-A-C.
Other names: short protein forms I481M.
Identifiers: ClinVar variation 1046302 (VCV001046302.6), dbSNP rs1949289424, ClinGen allele CA382011226.

ClinVar aggregate classification (germline): Uncertain significance (1 of 4 stars; one submission).

Allele frequency attached by ClinVar (database versions not stated): gnomAD exomes below 0.00001.
gnomAD v4.1: 3 of 1,614,152 alleles (0.00019%); highest among the groups gnomAD compares: Non-Finnish European, 0.00025%; no homozygotes.

Submission:

Labcorp Genetics (formerly Invitae), Labcorp
Classification: Uncertain significance. Last evaluated: 2021-10-20. Review status: criteria provided, single submitter. Criteria: Invitae Variant Classification Sherloc (09022015). Collection method: clinical testing. Allele origin: germline.
Comment: In summary, the available evidence is currently insufficient to determine the role of this variant in disease. Therefore, it has been classified as a Variant of Uncertain Significance. Algorithms developed to predict the effect of missense changes on protein structure and function are either unavailable or do not agree on the potential impact of this missense change (SIFT: "Deleterious"; PolyPhen-2: "Benign"; Align-GVGD: "Class C0"). This variant has not been reported in the literature in individuals affected with FZD4-related conditions. This variant is not present in population databases (ExAC no frequency). This sequence change replaces isoleucine with methionine at codon 481 of the FZD4 protein (p.Ile481Met). The isoleucine residue is highly conserved and there is a small physicochemical difference between isoleucine and methionine.